The following is an entry in ClinVar:

NM_006648.4(WNK2):c.6370G>A (p.Asp2124Asn)

Gene: WNK2 (WNK lysine deficient protein kinase 2; plus strand). Cytogenetic location: 9q22.31.
Variant type: single nucleotide variant.
Coding change: c.6370G>A on transcript NM_006648.4 (MANE Select); coding-DNA position 6370, G replaced by A.
Protein change: p.Asp2124Asn; replaces aspartic acid 2124 with asparagine.
Molecular consequence: missense variant.
Genome position (GRCh38, 1-based): chr9:93,308,438, G>A. VCF-style: chr9-93308438-G-A. GRCh37 (hg19) VCF-style: chr9-96070720-G-A.
Other names: c.6481G>A, p.Asp2161Asn (NM_001282394.3); short protein forms D2124N, D2161N.
Identifiers: ClinVar variation 3817140 (VCV003817140.1).

ClinVar aggregate classification (germline): Uncertain significance (1 of 4 stars; one submission).

gnomAD v4.1: 34 of 1,609,172 alleles (0.0021%); highest among the groups gnomAD compares: Admixed American, 0.005%; no homozygotes.

Submission:

Ambry Genetics
Classification: Uncertain significance. Last evaluated: 2025-02-22. Review status: criteria provided, single submitter. Criteria: Ambry Variant Classification Scheme 2023. Collection method: clinical testing. Allele origin: germline.
Comment: The p.D2124N variant (also known as c.6370G>A), located in coding exon 27 of the WNK2 gene, results from a G to A substitution at nucleotide position 6370. The aspartic acid at codon 2124 is replaced by asparagine, an amino acid with highly similar properties. This amino acid position is conserved. In addition, the in silico prediction for this alteration is inconclusive. Based on the available evidence, the clinical significance of this variant remains unclear.